The following is an entry in ClinVar:

NM_000059.4(BRCA2):c.2176G>C (p.Val726Leu)

Gene: BRCA2 (BRCA2 DNA repair associated; plus strand). Cytogenetic location: 13q13.1.
Variant type: single nucleotide variant.
Coding change: c.2176G>C on transcript NM_000059.4 (MANE Select); coding-DNA position 2176, G replaced by C.
Protein change: p.Val726Leu; replaces valine 726 with leucine.
Molecular consequence: missense variant. On other transcripts: non-coding transcript variant (1), intron variant (2).
Genome position (GRCh38, 1-based): chr13:32,336,531, G>C. VCF-style: chr13-32336531-G-C. GRCh37 (hg19) VCF-style: chr13-32910668-G-C.
Other names: c.2176G>C, p.Val726Leu (NM_001406719.1, NM_001406720.1); c.1909+3144G>C (NM_001406721.1); c.424+5501G>C (NM_001406722.1); short protein forms V726L.
Identifiers: ClinVar variation 3008232 (VCV003008232.4), dbSNP rs2548523335, ClinGen allele CA387770335.

ClinVar aggregate classification (germline): Uncertain significance. Review status: criteria provided, multiple submitters, no conflicts (2 of 4 stars). 2 submissions from 2 submitters: Uncertain significance (2). Last evaluated 2025-07-28.

Conditions:
Hereditary cancer-predisposing syndrome. Also called: Hereditary Cancer Syndrome; Neoplastic Syndromes, Hereditary; Tumor predisposition; Hereditary neoplastic syndrome. Identifiers: Orphanet 140162, MedGen C0027672, MeSH D009386, MONDO:0015356.
Hereditary breast ovarian cancer syndrome. Also called: BRCA1- and BRCA2-Associated Hereditary Breast and Ovarian Cancer; Hereditary breast and ovarian cancer syndrome (HBOC); Hereditary breast and/or ovarian cancer syndrome; Hereditary breast and ovarian cancer syndrome; Breast and ovarian cancer; Hereditary breast and ovarian cancer. Identifiers: Orphanet 145, MedGen C0677776, MeSH D061325, MONDO:0003582. Disease mechanism: loss of function.

Allele frequency attached by ClinVar (database versions not stated): gnomAD exomes 0.00001.
gnomAD v4.1: 3 of 1,613,990 alleles (0.00019%); highest among the groups gnomAD compares: South Asian, 0.0033%; no homozygotes.

Submissions (2):

Color Diagnostics, LLC DBA Color Health
Classification: Uncertain significance for Hereditary cancer-predisposing syndrome. Last evaluated: 2025-07-28. Review status: criteria provided, single submitter. Criteria: ACMG Guidelines, 2015. Collection method: clinical testing. Allele origin: germline.
Comment: This missense variant replaces valine with leucine at codon 726 of the BRCA2 protein. Computational prediction suggests that this variant may not impact protein structure and function. To our knowledge, functional studies have not been reported for this variant. This variant has not been reported in individuals affected with BRCA2-related disorders in the literature. This variant has not been identified in the general population by the Genome Aggregation Database (gnomAD). The available evidence is insufficient to determine the role of this variant in disease conclusively. Therefore, this variant is classified as a Variant of Uncertain Significance.

Labcorp Genetics (formerly Invitae), Labcorp
Classification: Uncertain significance for Hereditary breast ovarian cancer syndrome. Last evaluated: 2022-11-29. Review status: criteria provided, single submitter. Criteria: Invitae Variant Classification Sherloc (09022015). Collection method: clinical testing. Allele origin: germline.
Comment: In summary, the available evidence is currently insufficient to determine the role of this variant in disease. Therefore, it has been classified as a Variant of Uncertain Significance. Advanced modeling of protein sequence and biophysical properties (such as structural, functional, and spatial information, amino acid conservation, physicochemical variation, residue mobility, and thermodynamic stability) performed at Invitae indicates that this missense variant is not expected to disrupt BRCA2 protein function. This variant has not been reported in the literature in individuals affected with BRCA2-related conditions. This variant is not present in population databases (gnomAD no frequency). This sequence change replaces valine, which is neutral and non-polar, with leucine, which is neutral and non-polar, at codon 726 of the BRCA2 protein (p.Val726Leu).